The following is an entry in ClinVar:

NM_006885.4(ZFHX3):c.337G>A (p.Ala113Thr)

Gene: ZFHX3 (zinc finger homeobox 3; minus strand). Cytogenetic location: 16q22.3.
Variant type: single nucleotide variant.
Coding change: c.337G>A on transcript NM_006885.4 (MANE Select); coding-DNA position 337, G replaced by A.
Protein change: p.Ala113Thr; replaces alanine 113 with threonine.
Molecular consequence: missense variant. On other transcripts: intron variant (1).
Genome position (GRCh38, 1-based): chr16:72,959,809, C>T on the plus strand (G>A on the coding strand, the complement: ZFHX3 is on the minus strand). VCF-style: chr16-72959809-C-T. GRCh37 (hg19) VCF-style: chr16-72993708-C-T.
Other names: c.337G>A, p.Ala113Thr (NM_001386735.1); c.-23-8844G>A (NM_001164766.2); short protein forms A113T.
Identifiers: ClinVar variation 3055302 (VCV003055302.2), dbSNP rs62640010, ClinGen allele CA8165019.
Genomic context (GRCh38, chr16:72,959,809, plus strand): 5'-TCTCCCCGGCCAGGTTCTCCACGTCACTCTCCTCGTCCCCCTCCTCACCGGTGTCGCTGG[C>T]GCTCTCCTCTCTCAGGGGTGGCGGGGGGCGCGCGCTGGGGCAGTGGTGCTCCATGTAGGT-3'
Protein context (NP_008816.3, residues 103-123): RPPPPLREES[Ala113Thr]SDTGEEGDEE

ClinVar aggregate classification (germline): Benign (0 of 4 stars; one submission).

Conditions:
ZFHX3-related disorder. Also called: ZFHX3-related condition.

Allele frequency attached by ClinVar (database versions not stated): gnomAD exomes 0.02063; ExAC 0.02254; 1000 Genomes Project 0.02296; 1000 Genomes Project 30x 0.02342; gnomAD 0.02534; TOPMed 0.02937; ESP Exome Variant Server 0.03182.
gnomAD v4.1: 34,113 of 1,594,610 alleles (2.1%); highest among the groups gnomAD compares: Middle Eastern, 6.7%; 515 homozygotes.

Submission:

PreventionGenetics, part of Exact Sciences
Classification: Benign for ZFHX3-related condition. Last evaluated: 2019-10-28. Review status: no assertion criteria provided. Collection method: clinical testing. Allele origin: germline.
Comment: This variant is classified as benign based on ACMG/AMP sequence variant interpretation guidelines (Richards et al. 2015 PMID: 25741868, with internal and published modifications).